The following is an entry in ClinVar:

NM_014611.3(MDN1):c.8761G>A (p.Val2921Ile)

Gene: MDN1 (midasin AAA ATPase 1; minus strand). Cytogenetic location: 6q15.
Variant type: single nucleotide variant.
Coding change: c.8761G>A on transcript NM_014611.3 (MANE Select); coding-DNA position 8761, G replaced by A.
Protein change: p.Val2921Ile; replaces valine 2921 with isoleucine.
Molecular consequence: missense variant.
Genome position (GRCh38, 1-based): chr6:89,700,172, C>T on the plus strand (G>A on the coding strand, the complement: MDN1 is on the minus strand). VCF-style: chr6-89700172-C-T. GRCh37 (hg19) VCF-style: chr6-90409891-C-T.
Other names: short protein forms V2921I.
Identifiers: ClinVar variation 5024104 (VCV005024104.1).

ClinVar aggregate classification (germline): Uncertain significance (1 of 4 stars; one submission).

gnomAD v4.1: 15 of 1,614,018 alleles (0.00093%); highest among the groups gnomAD compares: African/African-American, 0.0053%; no homozygotes.

Submission:

Ambry Genetics
Classification: Uncertain significance. Last evaluated: 2026-06-29. Review status: criteria provided, single submitter. Criteria: Ambry Variant Classification Scheme 2023. Collection method: clinical testing. Allele origin: germline.
Comment: The c.8761G>A (p.V2921I) alteration is located in exon 57 (coding exon 57) of the MDN1 gene. This alteration results from a G to A substitution at nucleotide position 8761, causing the valine (V) at amino acid position 2921 to be replaced by an isoleucine (I). Based on data from gnomAD, the A allele has an overall frequency of <0.001% (1/251428) total alleles studied. The highest observed frequency was 0.006% (1/16256) of African alleles. Based on insufficient or conflicting evidence, the clinical significance of this alteration remains unclear.